The following is an entry in ClinVar:

NM_025137.4(SPG11):c.4162-10T>C

Gene: SPG11 (SPG11 vesicle trafficking associated, spatacsin; minus strand). Cytogenetic location: 15q21.1.
Variant type: single nucleotide variant.
Coding change: c.4162-10T>C on transcript NM_025137.4 (MANE Select); 10 bases into the intron before coding-DNA position 4162, T replaced by C.
Molecular consequence: intron variant.
Genome position (GRCh38, 1-based): chr15:44,596,365, A>G on the plus strand (T>C on the coding strand, the complement: SPG11 is on the minus strand). VCF-style: chr15-44596365-A-G. GRCh37 (hg19) VCF-style: chr15-44888563-A-G.
Other names: c.4162-10T>C (NM_001160227.2).
Identifiers: ClinVar variation 316093 (VCV000316093.17), dbSNP rs765557765, ClinGen allele CA7534740.
Genomic context (GRCh38, chr15:44,596,365, plus strand): 5'-CCTTAAGTGGTCTTGAATGACTGGGCTGAAGTACTGGATAAGGGATTTCACCTAGAAGGC[A>G]TATCAGATGATTAAACAGAAACCCAACTTTCAGTTTCAGCTGGAGCTGAAAATGTTAGAG-3'

ClinVar aggregate classification (germline): Conflicting classifications of pathogenicity. Review status: criteria provided, conflicting classifications (1 of 4 stars). 3 submissions from 3 submitters: Uncertain significance (2); Likely benign (1). Last evaluated 2025-11-10.

Conditions:
Hereditary spastic paraplegia 11. Also called: SPASTIC PARAPLEGIA, AUTOSOMAL RECESSIVE, COMPLICATED, WITH THIN CORPUS CALLOSUM; SPASTIC PARAPLEGIA, AUTOSOMAL RECESSIVE, WITH MENTAL IMPAIRMENT AND THIN CORPUS CALLOSUM; Nakamura Osame syndrome; Autosomal recessive hereditary spastic paraplegia, mental impairment, and thin corpus callosum; Spastic paraplegia, mental retardation and thin corpus callosum; Spastic Paraplegia 11. Identifiers: Orphanet 2822, MedGen C1858479, MONDO:0011445, OMIM 604360.

Allele frequency attached by ClinVar (database versions not stated): gnomAD exomes below 0.00001; TOPMed 0.00001.
gnomAD v4.1: 6 of 1,613,946 alleles (0.00037%); highest among the groups gnomAD compares: African/African-American, 0.0027%; no homozygotes.

Submissions (3):

Labcorp Genetics (formerly Invitae), Labcorp
Classification: Likely benign for Hereditary spastic paraplegia 11. Last evaluated: 2025-11-10. Review status: criteria provided, single submitter. Criteria: Invitae Variant Classification Sherloc (09022015). Collection method: clinical testing. Allele origin: germline.

GeneDx
Classification: Uncertain significance. Last evaluated: 2024-01-23. Review status: criteria provided, single submitter. Criteria: GeneDx Variant Classification Process June 2021. Collection method: clinical testing. Allele origin: germline. Affected: yes.
Comment: Not observed at significant frequency in large population cohorts (gnomAD); In silico analysis supports a deleterious effect on splicing; Has not been previously published as pathogenic or benign to our knowledge

Illumina Laboratory Services, Illumina
Classification: Uncertain significance for Hereditary spastic paraplegia 11. Last evaluated: 2018-01-13. Review status: criteria provided, single submitter. Criteria: ICSL Variant Classification Criteria 13 December 2019. Collection method: clinical testing. Allele origin: germline.